The following is an entry in ClinVar:

ClinVar aggregate classification (germline): Conflicting classifications of pathogenicity. Review status: criteria provided, conflicting classifications (1 of 4 stars). 3 submissions from 3 submitters: Likely pathogenic (1); Uncertain significance (1). 1 of the submissions does not count toward it. Last evaluated 2022-11-14.

Conditions:
Leber congenital amaurosis (LCA). Also called: Leber's amaurosis. Identifiers: Orphanet 65, MedGen C0339527, MeSH D057130, MONDO:0018998.
CRB1-related disorder. Also called: CRB1-related disorders; CRB1-related condition.

Submissions (3):

Blueprint Genetics
Classification: Likely pathogenic for CRB1-related disorders. Last evaluated: 2022-11-14. Review status: criteria provided, single submitter. Criteria: ACMG Guidelines, 2015. Collection method: clinical testing. Allele origin: germline. Affected: yes. Observed: 1 variant allele.

ARUP Laboratories, Molecular Genetics and Genomics, ARUP Laboratories
Classification: Uncertain significance. Last evaluated: 2019-12-10. Review status: criteria provided, single submitter. Criteria: ARUP Molecular Germline Variant Investigation Process. Collection method: clinical testing. Allele origin: germline.
Comment: The CRB1 c.2486T>A; p.Val829Asp variant, to our knowledge, is not reported in the medical literature or gene-specific databases. This variant is also absent from general population databases (Exome Variant Server, Genome Aggregation Database), indicating it is not a common polymorphism. The valine at codon 829 is highly conserved, and computational analyses (SIFT, PolyPhen-2) predict that this variant is deleterious. However, due to limited information, the clinical significance of the p.Val829Asp variant is uncertain at this time.

Natera, Inc.
Classification: Uncertain significance for Leber congenital amaurosis. Last evaluated: 2025-05-27. Review status: no assertion criteria provided. Collection method: clinical testing. Allele origin: germline. Not counted in ClinVar's aggregate classification.

NM_201253.3(CRB1):c.2486T>A (p.Val829Asp)

Gene: CRB1 (crumbs cell polarity complex component 1; plus strand). Cytogenetic location: 1q31.3.
Variant type: single nucleotide variant.
Coding change: c.2486T>A on transcript NM_201253.3 (MANE Select); coding-DNA position 2486, T replaced by A.
Protein change: p.Val829Asp; replaces valine 829 with aspartic acid.
Molecular consequence: missense variant. On other transcripts: non-coding transcript variant (2), intron variant (1).
Genome position (GRCh38, 1-based): chr1:197,427,811, T>A. VCF-style: chr1-197427811-T-A. GRCh37 (hg19) VCF-style: chr1-197396941-T-A.
Other names: c.2150T>A, p.Val717Asp (NM_001193640.2); c.2279T>A, p.Val760Asp (NM_001257965.2); c.2128+5855T>A (NM_001257966.2); c.2486T>A (NM_201253.2); short protein forms V717D, V760D, V829D.
Identifiers: ClinVar variation 993404 (VCV000993404.10), dbSNP rs1664670946, ClinGen allele CA344037721.